The following is an entry in ClinVar:

NM_001267550.2(TTN):c.63792del (p.Asp21265fs)

Genes: TTN (titin; minus strand), TTN-AS1 (TTN antisense RNA 1; plus strand). Cytogenetic location: 2q31.2.
Variant type: Deletion.
Coding change: c.63792del on transcript NM_001267550.2 (MANE Select); coding-DNA position 63792, one base deleted (A; older notation c.63792delA).
Protein change: p.Asp21265fs; shifts the reading frame from aspartic acid 21265.
Molecular consequence: frameshift variant.
Genome position (GRCh38, 1-based): chr2:178,587,517, T deleted on the plus strand (A on the coding strand, the reverse complement: TTN is on the minus strand). VCF-style (leftmost placement, unchanged base first): chr2-178587516-CT-C. GRCh37 (hg19) VCF-style: chr2-179452243-CT-C.
Other names: c.58869del, p.Asp19624fs (NM_001256850.1); c.36597del, p.Asp12200fs (NM_003319.4); c.56088del, p.Asp18697fs (NM_133378.4); c.36972del, p.Asp12325fs (NM_133432.3); c.37173del, p.Asp12392fs (NM_133437.4); c.36597delA (NM_003319.4); short protein forms D12200fs, D12325fs, D12392fs, D18697fs, D19624fs, D21265fs.
Identifiers: ClinVar variation 3223247 (VCV003223247.1), dbSNP rs2469297748, ClinGen allele CA2825001027.
Genomic context (GRCh38, chr2:178,587,516, plus strand): 5'-AGCATCCCTATTAACAAATTCATTTTTGAAGTGGGAGGGAGAAGCATTTTAGTAACCCAC[CT>C]AATACTCTGACATTTACGAATACAGCCTTTTCTCCTGCTGGGTTCACAAGTGTTAAGGAA-3'

ClinVar aggregate classification (germline): Likely pathogenic (1 of 4 stars; one submission).

Conditions:
Cardiovascular phenotype. Identifiers: MedGen CN230736.

Submission:

Ambry Genetics
Classification: Likely pathogenic for Cardiovascular phenotype. Last evaluated: 2023-10-13. Review status: criteria provided, single submitter. Criteria: Ambry Variant Classification Scheme 2023. Collection method: clinical testing. Allele origin: germline.
Comment: The c.36597delA variant, located in coding exon 133 of the TTN gene, results from a deletion of one nucleotide at nucleotide position 36597, causing a translational frameshift with a predicted alternate stop codon (p.D12200Tfs*9). This exon is located in the A-band region of the N2-B isoform of the titin protein and is constitutively expressed in TTN transcripts (percent spliced in or PSI 100%). This variant is considered to be rare based on population cohorts in the Genome Aggregation Database (gnomAD). This alteration is expected to result in loss of function by premature protein truncation or nonsense-mediated mRNA decay. While truncating variants in TTN are present in 1-3% of the general population, truncating variants in the A-band are the most common cause of dilated cardiomyopathy (DCM) (Herman DS et al. N. Engl. J. Med., 2012 Feb;366:619-28; Roberts AM et al. Sci Transl Med, 2015 Jan;7:270ra6). TTN truncating variants encoded in constitutive exons (PSI >90%) have been found to be significantly associated with DCM regardless of their position in titin (Schafer S et al. Nat. Genet., 2017 01;49:46-53). Based on the majority of available evidence to date, this variant is likely to be pathogenic.